The following is an entry in ClinVar:

NM_006885.4(ZFHX3):c.7768_7783del (p.Ser2590fs)

Genes: ZFHX3 (zinc finger homeobox 3; minus strand), ZFHX3-AS1 (ZFHX3 antisense RNA 1; plus strand). Cytogenetic location: 16q22.2.
Variant type: Deletion.
Coding change: c.7768_7783del on transcript NM_006885.4 (MANE Select); coding-DNA positions 7768 to 7783, 16 bases deleted (TCTGGGGCCATACCTC).
Protein change: p.Ser2590fs; shifts the reading frame from serine 2590.
Molecular consequence: frameshift variant.
Genome position (GRCh38, 1-based): chr16:72,794,899-72,794,914, GAGGTATGGCCCCAGA deleted on the plus strand (TCTGGGGCCATACCTC on the coding strand, the reverse complement: ZFHX3 is on the minus strand); deleting any 16 consecutive bases within chr16:72,794,899-72,794,917 gives the same sequence; the c. name uses the placement nearest the transcript's 3' end. VCF-style (leftmost placement, unchanged base first): chr16-72794898-TGAGGTATGGCCCCAGA-T. GRCh37 (hg19) VCF-style: chr16-72828797-TGAGGTATGGCCCCAGA-T.
Other names: c.5026_5041del, p.Ser1676fs (NM_001164766.2); c.7768_7783del, p.Ser2590fs (NM_001386735.1); short protein forms S1676fs, S2590fs.
Identifiers: ClinVar variation 4827743 (VCV004827743.1).

ClinVar aggregate classification (germline): Pathogenic (1 of 4 stars; one submission).

Submission:

Ambry Genetics
Classification: Pathogenic. Last evaluated: 2026-02-20. Review status: criteria provided, single submitter. Criteria: Ambry Variant Classification Scheme 2023. Collection method: clinical testing. Allele origin: germline.
Comment: The c.7768_7783delTCTGGGGCCATACCTC (p.S2590Rfs*17) alteration, located in exon 9 (coding exon 8) of the ZFHX3 gene, consists of a deletion of 16 nucleotides from position 7768 to 7783, causing a translational frameshift with a predicted alternate stop codon after 17 amino acids. This alteration is expected to result in loss of function by premature protein truncation or nonsense-mediated mRNA decay. This variant was not reported in population-based cohorts in the Genome Aggregation Database (gnomAD). Based on the available evidence, this alteration is classified as pathogenic.